The following is an entry in ClinVar:

ClinVar aggregate classification (germline): Likely benign. Review status: criteria provided, multiple submitters, no conflicts (2 of 4 stars). 4 submissions from 4 submitters: Likely benign (3). 1 of the submissions does not count toward it. Last evaluated 2025-08-07.

Conditions:
RAD50-related disorder. Also called: RAD50-related condition.
Hereditary cancer-predisposing syndrome. Also called: Hereditary neoplastic syndrome; Hereditary Cancer Syndrome; Neoplastic Syndromes, Hereditary; Tumor predisposition. Identifiers: Orphanet 140162, MedGen C0027672, MeSH D009386, MONDO:0015356.

Allele frequency attached by ClinVar (database versions not stated): gnomAD 0.00001; TOPMed 0.00001; gnomAD exomes 0.00002 and 0.00005; ExAC 0.00007.
gnomAD v4.1: 35 of 1,609,646 alleles (0.0022%); highest among the groups gnomAD compares: South Asian, 0.025%; no homozygotes.

Submissions (4):

Labcorp Genetics (formerly Invitae), Labcorp
Classification: Likely benign for Hereditary cancer-predisposing syndrome. Last evaluated: 2025-08-07. Review status: criteria provided, single submitter. Criteria: Invitae Variant Classification Sherloc (09022015). Collection method: clinical testing. Allele origin: germline.

Women's Health and Genetics/Laboratory Corporation of America, LabCorp
Classification: Likely benign. Last evaluated: 2025-06-16. Review status: criteria provided, single submitter. Criteria: LabCorp Variant Classification Summary - May 2015. Collection method: clinical testing. Allele origin: germline.

Ambry Genetics
Classification: Likely benign for Hereditary cancer-predisposing syndrome. Last evaluated: 2015-01-21. Review status: criteria provided, single submitter. Criteria: Ambry Variant Classification Scheme 2023. Collection method: clinical testing. Allele origin: germline.

PreventionGenetics, part of Exact Sciences
Classification: Likely benign for RAD50-related condition. Last evaluated: 2019-04-24. Review status: no assertion criteria provided. Collection method: clinical testing. Allele origin: germline. Not counted in ClinVar's aggregate classification.
Comment: This variant is classified as likely benign based on ACMG/AMP sequence variant interpretation guidelines (Richards et al. 2015 PMID: 25741868, with internal and published modifications).

NM_005732.4(RAD50):c.1698G>A (p.Leu566=)

Gene: RAD50 (RAD50 double strand break repair protein; plus strand). Cytogenetic location: 5q31.1.
Variant type: single nucleotide variant.
Coding change: c.1698G>A on transcript NM_005732.4 (MANE Select); coding-DNA position 1698, G replaced by A.
Protein change: p.Leu566=; no amino-acid change (leucine 566 retained).
Molecular consequence: synonymous variant.
Genome position (GRCh38, 1-based): chr5:132,591,939, G>A. VCF-style: chr5-132591939-G-A. GRCh37 (hg19) VCF-style: chr5-131927631-G-A.
Identifiers: ClinVar variation 230235 (VCV000230235.19), dbSNP rs749631904, ClinGen allele CA3405232.